The following is an entry in ClinVar:

ClinVar aggregate classification (germline): Uncertain significance (1 of 4 stars; one submission).

Conditions:
Autoinflammation-PLCG2-associated antibody deficiency-immune dysregulation. Also called: AUTOINFLAMMATION, ANTIBODY DEFICIENCY, AND IMMUNE DYSREGULATION; Autoinflammation, antibody deficiency, and immune dysregulation syndrome; Autoinflammation, antibody deficiency, and immune dysregulation, plcg2-associated. Identifiers: Orphanet 324530, MedGen C3553961, MONDO:0013944, OMIM 614878.

Allele frequency attached by ClinVar (database versions not stated): TOPMed below 0.00001.
gnomAD v4.1: 1 of 1,609,582 alleles (0.000062%); highest among the groups gnomAD compares: African/African-American, 0.0013%; no homozygotes.

Submission:

Baylor Genetics
Classification: Uncertain significance for Autoinflammation-PLCG2-associated antibody deficiency-immune dysregulation. Last evaluated: 2018-04-14. Review status: criteria provided, single submitter. Criteria: ACMG Guidelines, 2015. Collection method: clinical testing. Allele origin: maternal. Affected: yes.
Comment: This variant was determined to be of uncertain significance according to ACMG Guidelines, 2015 [PMID:25741868].

NM_002661.5(PLCG2):c.899G>T (p.Ser300Ile)

Gene: PLCG2 (phospholipase C gamma 2; plus strand). Cytogenetic location: 16q23.3.
Variant type: single nucleotide variant.
Coding change: c.899G>T on transcript NM_002661.5 (MANE Select); coding-DNA position 899, G replaced by T.
Protein change: p.Ser300Ile; replaces serine 300 with isoleucine.
Molecular consequence: missense variant.
Genome position (GRCh38, 1-based): chr16:81,891,503, G>T. VCF-style: chr16-81891503-G-T. GRCh37 (hg19) VCF-style: chr16-81925108-G-T.
Other names: short protein forms S300I.
Identifiers: ClinVar variation 1033530 (VCV001033530.1), dbSNP rs764885126, ClinGen allele CA396897941.